The following is an entry in ClinVar:

ClinVar aggregate classification (germline): Uncertain significance. Review status: criteria provided, multiple submitters, no conflicts (2 of 4 stars). 2 submissions from 2 submitters: Uncertain significance (2). Last evaluated 2023-11-19.

Allele frequency attached by ClinVar (database versions not stated): gnomAD exomes below 0.00001 and 0.00001; TOPMed below 0.00001; ExAC 0.00003.
gnomAD v4.1: 3 of 1,613,726 alleles (0.00019%); highest among the groups gnomAD compares: Admixed American, 0.005%; no homozygotes.

Submissions (2):

Labcorp Genetics (formerly Invitae), Labcorp
Classification: Uncertain significance. Last evaluated: 2023-11-19. Review status: criteria provided, single submitter. Criteria: Invitae Variant Classification Sherloc (09022015). Collection method: clinical testing. Allele origin: germline.
Comment: This sequence change replaces phenylalanine, which is neutral and non-polar, with leucine, which is neutral and non-polar, at codon 1582 of the MYO7A protein (p.Phe1582Leu). This variant is present in population databases (rs746043028, gnomAD 0.009%). This variant has not been reported in the literature in individuals affected with MYO7A-related conditions. ClinVar contains an entry for this variant (Variation ID: 1501819). Advanced modeling of protein sequence and biophysical properties (such as structural, functional, and spatial information, amino acid conservation, physicochemical variation, residue mobility, and thermodynamic stability) performed at Invitae indicates that this missense variant is not expected to disrupt MYO7A protein function with a negative predictive value of 95%. In summary, the available evidence is currently insufficient to determine the role of this variant in disease. Therefore, it has been classified as a Variant of Uncertain Significance.

GeneDx
Classification: Uncertain significance. Last evaluated: 2022-06-07. Review status: criteria provided, single submitter. Criteria: GeneDx Variant Classification Process June 2021. Collection method: clinical testing. Allele origin: germline. Affected: yes.
Comment: In silico analysis supports that this missense variant has a deleterious effect on protein structure/function; Has not been previously published as pathogenic or benign to our knowledge

NM_000260.4(MYO7A):c.4746C>G (p.Phe1582Leu)

Gene: MYO7A (myosin VIIA; plus strand). Cytogenetic location: 11q13.5.
Variant type: single nucleotide variant.
Coding change: c.4746C>G on transcript NM_000260.4 (MANE Select); coding-DNA position 4746, C replaced by G.
Protein change: p.Phe1582Leu; replaces phenylalanine 1582 with leucine.
Molecular consequence: missense variant.
Genome position (GRCh38, 1-based): chr11:77,199,712, C>G. VCF-style: chr11-77199712-C-G. GRCh37 (hg19) VCF-style: chr11-76910757-C-G.
Other names: c.4632C>G, p.Phe1544Leu (NM_001127180.2); c.4599C>G, p.Phe1533Leu (NM_001369365.1); short protein forms F1533L, F1544L, F1582L.
Identifiers: ClinVar variation 1501819 (VCV001501819.9), dbSNP rs746043028, ClinGen allele CA6198534.
Genomic context (GRCh38, chr11:77,199,712, plus strand): 5'-AGCGAAAACGACGGCCCCCAGCTTCACGCTGGCCACCATCAAGGGGGACGAATACACCTT[C>G]ACCTCCAGCAATGCTGAGGACATTCGTGACCTGGTGGTCACCTTCCTAGAGGGGCTCCGG-3'
Protein context (NP_000251.3, residues 1572-1592): LATIKGDEYT[Phe1582Leu]TSSNAEDIRD